The following is an entry in ClinVar:

ClinVar aggregate classification (germline): Likely benign. Review status: criteria provided, multiple submitters, no conflicts (2 of 4 stars). 7 submissions from 7 submitters: Likely benign (4). 3 of the submissions do not count toward it. Last evaluated 2026-06-01.

Conditions:
VPS13B-related disorder. Also called: VPS13B-related condition.
Cohen syndrome (COH1). Also called: PEPPER SYNDROME; Cutis verticis gyrata, retinitis pigmentosa, and sensorineural deafness. Identifiers: Orphanet 193, MedGen C0265223, MONDO:0008999, OMIM 216550.

Allele frequency attached by ClinVar (database versions not stated): gnomAD 0.00001; ExAC 0.00012; gnomAD exomes 0.00012.
gnomAD v4.1: 76 of 1,614,050 alleles (0.0047%); highest among the groups gnomAD compares: South Asian, 0.055%; no homozygotes.

Submissions (7):

CeGaT Center for Human Genetics Tuebingen
Classification: Likely benign. Last evaluated: 2026-06-01. Review status: criteria provided, single submitter. Criteria: CeGaT Center For Human Genetics Tuebingen Variant Classification Criteria Version 2. Collection method: clinical testing. Allele origin: germline. Affected: yes. Observed: 2 variant alleles.
Comment: VPS13B: BP4, BP7

PreventionGenetics, part of Exact Sciences
Classification: Likely benign for VPS13B-related condition. Last evaluated: 2026-04-10. Review status: criteria provided, single submitter. Criteria: ACMG Guidelines, 2015. Collection method: clinical testing. Allele origin: germline.
Comment: This variant is classified as likely benign based on ACMG/AMP sequence variant interpretation guidelines (Richards et al. 2015 PMID: 25741868, with internal and published modifications).

Labcorp Genetics (formerly Invitae), Labcorp
Classification: Likely benign for Cohen syndrome. Last evaluated: 2025-12-31. Review status: criteria provided, single submitter. Criteria: Invitae Variant Classification Sherloc (09022015). Collection method: clinical testing. Allele origin: germline.

Blueprint Genetics
Classification: Likely benign. Last evaluated: 2024-05-28. Review status: criteria provided, single submitter. Criteria: ACMG Guidelines, 2015. Collection method: clinical testing. Allele origin: germline.

Natera, Inc.
Classification: Likely benign for Cohen syndrome. Last evaluated: 2019-10-25. Review status: no assertion criteria provided. Collection method: clinical testing. Allele origin: germline. Not counted in ClinVar's aggregate classification.

Clinical Genetics DNA and cytogenetics Diagnostics Lab, Erasmus MC, Erasmus Medical Center
Classification: Likely benign. Review status: no assertion criteria provided. Collection method: clinical testing. Allele origin: germline. Affected: yes. Study: VKGL Data-share Consensus. Not counted in ClinVar's aggregate classification.

Clinical Genetics, Academic Medical Center
Classification: Likely benign. Review status: no assertion criteria provided. Collection method: clinical testing. Allele origin: germline. Affected: yes. Study: VKGL Data-share Consensus. Not counted in ClinVar's aggregate classification.

NM_152564.5(VPS13B):c.11667C>T (p.Ile3889=)

Gene: VPS13B (vacuolar protein sorting 13 homolog B; plus strand). Cytogenetic location: 8q22.2.
Variant type: single nucleotide variant.
Coding change: c.11667C>T on transcript NM_152564.5 (MANE Select); coding-DNA position 11667, C replaced by T.
Protein change: p.Ile3889=; no amino-acid change (isoleucine 3889 retained).
Molecular consequence: synonymous variant.
Genome position (GRCh38, 1-based): chr8:99,871,619, C>T. VCF-style: chr8-99871619-C-T. GRCh37 (hg19) VCF-style: chr8-100883847-C-T.
Other names: c.11742C>T, p.Ile3914= (NM_017890.5); c.11667C>T (NM_152564.4).
Identifiers: ClinVar variation 1149431 (VCV001149431.27), dbSNP rs749637946, ClinGen allele CA4825297.